The following is an entry in ClinVar:

NM_024589.3(ROGDI):c.567G>A (p.Leu189=)

Gene: ROGDI (rogdi atypical leucine zipper; minus strand). Cytogenetic location: 16p13.3.
Variant type: single nucleotide variant.
Coding change: c.567G>A on transcript NM_024589.3 (MANE Select); coding-DNA position 567, G replaced by A.
Protein change: p.Leu189=; no amino-acid change (leucine 189 retained).
Molecular consequence: synonymous variant. On other transcripts: non-coding transcript variant (1).
Genome position (GRCh38, 1-based): chr16:4,798,149, C>T on the plus strand (G>A on the coding strand, the complement: ROGDI is on the minus strand). VCF-style: chr16-4798149-C-T. GRCh37 (hg19) VCF-style: chr16-4848150-C-T.
Identifiers: ClinVar variation 319402 (VCV000319402.43), dbSNP rs143000899, ClinGen allele CA7882635.

ClinVar aggregate classification (germline): Conflicting classifications of pathogenicity. Review status: criteria provided, conflicting classifications (1 of 4 stars). 5 submissions from 5 submitters: Uncertain significance (1); Benign (2); Likely benign (2). Last evaluated 2026-01-13.

Conditions:
Amelocerebrohypohidrotic syndrome (KTZS). Also called: KOHLSCHUTTER SYNDROME; EPILEPSY AND YELLOW TEETH; EPILEPSY, DEMENTIA, AND AMELOGENESIS IMPERFECTA; Kohlschutter's syndrome. Identifiers: Orphanet 1946, MedGen C0406740, MONDO:0009185, OMIM 226750.

Allele frequency attached by ClinVar (database versions not stated): ESP Exome Variant Server 0.00031; gnomAD 0.00059 and 0.00061; 1000 Genomes Project 0.00060; 1000 Genomes Project 30x 0.00062; TOPMed 0.00075.
gnomAD v4.1: 1,073 of 1,613,988 alleles (0.066%); highest among the groups gnomAD compares: Admixed American, 0.19%; 1 homozygote.

Submissions (5):

Labcorp Genetics (formerly Invitae), Labcorp
Classification: Benign for Amelocerebrohypohidrotic syndrome. Last evaluated: 2026-01-13. Review status: criteria provided, single submitter. Criteria: Invitae Variant Classification Sherloc (09022015). Collection method: clinical testing. Allele origin: germline.

Athena Diagnostics
Classification: Benign. Last evaluated: 2024-08-14. Review status: criteria provided, single submitter. Criteria: Athena Diagnostics Criteria. Collection method: clinical testing. Allele origin: unknown.

Blueprint Genetics
Classification: Likely benign. Last evaluated: 2024-08-06. Review status: criteria provided, single submitter. Criteria: ACMG Guidelines, 2015. Collection method: clinical testing. Allele origin: germline.

CeGaT Center for Human Genetics Tuebingen
Classification: Likely benign. Last evaluated: 2023-10-01. Review status: criteria provided, single submitter. Criteria: CeGaT Center For Human Genetics Tuebingen Variant Classification Criteria Version 2. Collection method: clinical testing. Allele origin: germline. Affected: yes. Observed: 1 variant allele.
Comment: ROGDI: BP4, BP7

Illumina Laboratory Services, Illumina
Classification: Uncertain significance for Kohlschutter syndrome. Last evaluated: 2018-01-12. Review status: criteria provided, single submitter. Criteria: ICSL Variant Classification Criteria 13 December 2019. Collection method: clinical testing. Allele origin: germline.